The following is an entry in ClinVar:

ClinVar aggregate classification (germline): Uncertain significance. Review status: criteria provided, multiple submitters, no conflicts (2 of 4 stars). 2 submissions from 2 submitters: Uncertain significance (2). Last evaluated 2025-06-10.

Conditions:
Hereditary cancer-predisposing syndrome. Also called: Neoplastic Syndromes, Hereditary; Hereditary Cancer Syndrome; Tumor predisposition; Hereditary neoplastic syndrome. Identifiers: Orphanet 140162, MedGen C0027672, MeSH D009386, MONDO:0015356.
Multiple endocrine neoplasia, type 1 (MEN1). Also called: MEA I; MEN I; WERMER SYNDROME; Endocrine adenomatosis multiple; MEN 1. Identifiers: Orphanet 652, MedGen C0025267, MeSH D018761, MONDO:0007540, OMIM 131100.

Allele frequency attached by ClinVar (database versions not stated): gnomAD exomes below 0.00001.
gnomAD v4.1: 2 of 1,614,140 alleles (0.00012%); highest among the groups gnomAD compares: Non-Finnish European, 0.00017%; no homozygotes.

Submissions (2):

Labcorp Genetics (formerly Invitae), Labcorp
Classification: Uncertain significance for Multiple endocrine neoplasia, type 1. Last evaluated: 2025-06-10. Review status: criteria provided, single submitter. Criteria: Invitae Variant Classification Sherloc (09022015). Collection method: clinical testing. Allele origin: germline.
Comment: This sequence change replaces serine, which is neutral and polar, with tyrosine, which is neutral and polar, at codon 142 of the MEN1 protein (p.Ser142Tyr). This variant is not present in population databases (gnomAD no frequency). This variant has not been reported in the literature in individuals affected with MEN1-related conditions. ClinVar contains an entry for this variant (Variation ID: 1035823). Invitae Evidence Modeling of protein sequence and biophysical properties (such as structural, functional, and spatial information, amino acid conservation, physicochemical variation, residue mobility, and thermodynamic stability) indicates that this missense variant is expected to disrupt MEN1 protein function with a positive predictive value of 95%. In summary, the available evidence is currently insufficient to determine the role of this variant in disease. Therefore, it has been classified as a Variant of Uncertain Significance.

Ambry Genetics
Classification: Uncertain significance for Hereditary cancer-predisposing syndrome. Last evaluated: 2024-05-29. Review status: criteria provided, single submitter. Criteria: Ambry Variant Classification Scheme 2023. Collection method: clinical testing. Allele origin: germline.
Comment: The p.S142Y variant (also known as c.425C>A), located in coding exon 1 of the MEN1 gene, results from a C to A substitution at nucleotide position 425. The serine at codon 142 is replaced by tyrosine, an amino acid with dissimilar properties. This amino acid position is highly conserved in available vertebrate species. In addition, this alteration is predicted to be deleterious by in silico analysis. Based on the available evidence, the clinical significance of this variant remains unclear.

NM_001370259.2(MEN1):c.425C>A (p.Ser142Tyr)

Gene: MEN1 (menin 1; minus strand). Cytogenetic location: 11q13.1.
Variant type: single nucleotide variant.
Coding change: c.425C>A on transcript NM_001370259.2 (MANE Select); coding-DNA position 425, C replaced by A.
Protein change: p.Ser142Tyr; replaces serine 142 with tyrosine.
Molecular consequence: missense variant.
Genome position (GRCh38, 1-based): chr11:64,809,685, G>T on the plus strand (C>A on the coding strand, the complement: MEN1 is on the minus strand). VCF-style: chr11-64809685-G-T. GRCh37 (hg19) VCF-style: chr11-64577157-G-T.
Other names: c.425C>A, p.Ser142Tyr (NM_130800.3, NM_130801.3, NM_130802.3 and 9 more transcripts); short protein forms S142Y.
Identifiers: ClinVar variation 1035823 (VCV001035823.11), dbSNP rs1941976986, ClinGen allele CA381186743.